The following is an entry in ClinVar:

ClinVar aggregate classification (germline): Uncertain significance. Review status: criteria provided, multiple submitters, no conflicts (2 of 4 stars). 2 submissions from 2 submitters: Uncertain significance (2). Last evaluated 2023-10-19.

Allele frequency attached by ClinVar (database versions not stated): TOPMed below 0.00001; gnomAD 0.00001; gnomAD exomes 0.00001.
gnomAD v4.1: 4 of 1,210,096 alleles (0.00033%); highest among the groups gnomAD compares: Admixed American, 0.0088%; no homozygotes.

Submissions (2):

GeneDx
Classification: Uncertain significance. Last evaluated: 2023-10-19. Review status: criteria provided, single submitter. Criteria: GeneDx Variant Classification Process June 2021. Collection method: clinical testing. Allele origin: germline.
Comment: In silico analysis supports that this missense variant does not alter protein structure/function; Has not been previously published as pathogenic or benign to our knowledge

Labcorp Genetics (formerly Invitae), Labcorp
Classification: Uncertain significance. Last evaluated: 2022-06-24. Review status: criteria provided, single submitter. Criteria: Invitae Variant Classification Sherloc (09022015). Collection method: clinical testing. Allele origin: germline.
Comment: This sequence change replaces glutamine, which is neutral and polar, with glutamic acid, which is acidic and polar, at codon 1333 of the USP9X protein (p.Gln1333Glu). In summary, the available evidence is currently insufficient to determine the role of this variant in disease. Therefore, it has been classified as a Variant of Uncertain Significance. Algorithms developed to predict the effect of missense changes on protein structure and function are either unavailable or do not agree on the potential impact of this missense change (SIFT: "Tolerated"; PolyPhen-2: "Possibly Damaging"; Align-GVGD: "Class C0"). This variant has not been reported in the literature in individuals affected with USP9X-related conditions. This variant is present in population databases (no rsID available, gnomAD 0.008%).

NM_001039591.3(USP9X):c.3997C>G (p.Gln1333Glu)

Gene: USP9X (ubiquitin specific peptidase 9 X-linked; plus strand). Cytogenetic location: Xp11.4.
Variant type: single nucleotide variant.
Coding change: c.3997C>G on transcript NM_001039591.3 (MANE Select); coding-DNA position 3997, C replaced by G.
Protein change: p.Gln1333Glu; replaces glutamine 1333 with glutamic acid.
Molecular consequence: missense variant.
Genome position (GRCh38, 1-based): chrX:41,196,270, C>G. VCF-style: chrX-41196270-C-G. GRCh37 (hg19) VCF-style: chrX-41055523-C-G.
Other names: c.3997C>G, p.Gln1333Glu (NM_001039590.3); c.4012C>G, p.Gln1338Glu (NM_001410748.1, NM_001410749.1); c.3997C>G (NM_001039590.2); short protein forms Q1338E, Q1333E.
Identifiers: ClinVar variation 1974482 (VCV001974482.7), dbSNP rs1207100603, ClinGen allele CA412772027.